The following is an entry in ClinVar:

NM_002691.4(POLD1):c.1300T>G (p.Ser434Ala)

Gene: POLD1 (DNA polymerase delta 1, catalytic subunit; plus strand). Cytogenetic location: 19q13.33.
Variant type: single nucleotide variant.
Coding change: c.1300T>G on transcript NM_002691.4 (MANE Select); coding-DNA position 1300, T replaced by G.
Protein change: p.Ser434Ala; replaces serine 434 with alanine.
Molecular consequence: missense variant. On other transcripts: non-coding transcript variant (1).
Genome position (GRCh38, 1-based): chr19:50,406,239, T>G. VCF-style: chr19-50406239-T-G. GRCh37 (hg19) VCF-style: chr19-50909496-T-G.
Other names: c.1300T>G, p.Ser434Ala (NM_001256849.1, NM_001308632.1); short protein forms S434A.
Identifiers: ClinVar variation 2845516 (VCV002845516.3), dbSNP rs1415735570, ClinGen allele CA406979824.

ClinVar aggregate classification (germline): Uncertain significance (1 of 4 stars; one submission).

Conditions:
POLD1-related polyposis and colorectal cancer syndrome (CRCS10). Also called: Colorectal cancer 10; COLORECTAL CANCER, SUSCEPTIBILITY TO, ON CHROMOSOME 19q; Colorectal cancer, susceptibility to, 10. Identifiers: Orphanet 220460, MedGen C2675481, MONDO:0012953, OMIM 612591.

Submission:

Labcorp Genetics (formerly Invitae), Labcorp
Classification: Uncertain significance for POLD1-related polyposis and colorectal cancer syndrome. Last evaluated: 2023-03-14. Review status: criteria provided, single submitter. Criteria: Invitae Variant Classification Sherloc (09022015). Collection method: clinical testing. Allele origin: germline.
Comment: This sequence change replaces serine, which is neutral and polar, with alanine, which is neutral and non-polar, at codon 434 of the POLD1 protein (p.Ser434Ala). This variant is present in population databases (no rsID available, gnomAD 0.003%). This variant has not been reported in the literature in individuals affected with POLD1-related conditions. Advanced modeling of protein sequence and biophysical properties (such as structural, functional, and spatial information, amino acid conservation, physicochemical variation, residue mobility, and thermodynamic stability) performed at Invitae indicates that this missense variant is not expected to disrupt POLD1 protein function. RNA analysis performed to evaluate the impact of this missense change on mRNA splicing indicates it does not significantly alter splicing (Invitae). In summary, the available evidence is currently insufficient to determine the role of this variant in disease. Therefore, it has been classified as a Variant of Uncertain Significance.